The following is an entry in ClinVar:

ClinVar aggregate classification (germline): Likely benign (0 of 4 stars; one submission).

Conditions:
FKBPL-related disorder. Also called: FKBPL-related condition.

Allele frequency attached by ClinVar (database versions not stated): gnomAD exomes 0.00070; ExAC 0.00099; gnomAD 0.00135; TOPMed 0.00144; 1000 Genomes Project 0.00160; ESP Exome Variant Server 0.00169; 1000 Genomes Project 30x 0.00219.

Submission:

PreventionGenetics, part of Exact Sciences
Classification: Likely benign for FKBPL-related condition. Last evaluated: 2019-02-21. Review status: no assertion criteria provided. Collection method: clinical testing. Allele origin: germline.
Comment: This variant is classified as likely benign based on ACMG/AMP sequence variant interpretation guidelines (Richards et al. 2015 PMID: 25741868, with internal and published modifications).

NM_022110.4(FKBPL):c.490T>C (p.Leu164=)

Gene: FKBPL (FKBP prolyl isomerase like; minus strand). Cytogenetic location: 6p21.32.
Variant type: single nucleotide variant.
Coding change: c.490T>C on transcript NM_022110.4 (MANE Select); coding-DNA position 490, T replaced by C.
Protein change: p.Leu164=; no amino-acid change (leucine 164 retained).
Molecular consequence: synonymous variant.
Genome position (GRCh38, 1-based): chr6:32,129,291, A>G on the plus strand (T>C on the coding strand, the complement: FKBPL is on the minus strand). VCF-style: chr6-32129291-A-G. GRCh37 (hg19) VCF-style: chr6-32097068-A-G.
Identifiers: ClinVar variation 3033307 (VCV003033307.2), dbSNP rs148586207, ClinGen allele CA3736634.